The following is an entry in ClinVar:

NM_017613.4(DONSON):c.1350+6A>T

Gene: DONSON (DNA replication fork stabilization factor DONSON; minus strand). Cytogenetic location: 21q22.11.
Variant type: single nucleotide variant.
Coding change: c.1350+6A>T on transcript NM_017613.4 (MANE Select); 6 bases into the intron after coding-DNA position 1350, A replaced by T.
Molecular consequence: intron variant.
Genome position (GRCh38, 1-based): chr21:33,581,296, T>A on the plus strand (A>T on the coding strand, the complement: DONSON is on the minus strand). VCF-style: chr21-33581296-T-A. GRCh37 (hg19) VCF-style: chr21-34953602-T-A.
Identifiers: ClinVar variation 2187242 (VCV002187242.2), dbSNP rs766587395, ClinGen allele CA10010352.
Genomic context (GRCh38, chr21:33,581,296, plus strand): 5'-AATCAAGAATTTATCCTATCAAAGTAAAGTACTTCTTAAAAGCTAGGTTATGCAGACTTT[T>A]ATTACCTTAAGCATTTGCATTGTGGCACCTCGGAAAGCAACAGGGGACAAGAGGGTTGGA-3'

ClinVar aggregate classification (germline): Uncertain significance (1 of 4 stars; one submission).

gnomAD v4.1: 56 of 1,613,606 alleles (0.0035%); highest among the groups gnomAD compares: Non-Finnish European, 0.0037%; no homozygotes.

Submission:

Labcorp Genetics (formerly Invitae), Labcorp
Classification: Uncertain significance. Last evaluated: 2024-02-17. Review status: criteria provided, single submitter. Criteria: Invitae Variant Classification Sherloc (09022015). Collection method: clinical testing. Allele origin: germline.
Comment: This sequence change falls in intron 8 of the DONSON gene. It does not directly change the encoded amino acid sequence of the DONSON protein. It affects a nucleotide within the consensus splice site. This variant is present in population databases (rs766587395, gnomAD 0.004%). This variant has not been reported in the literature in individuals affected with DONSON-related conditions. ClinVar contains an entry for this variant (Variation ID: 2187242). Variants that disrupt the consensus splice site are a relatively common cause of aberrant splicing (PMID: 17576681, 9536098). Algorithms developed to predict the effect of sequence changes on RNA splicing suggest that this variant is not likely to affect RNA splicing. In summary, the available evidence is currently insufficient to determine the role of this variant in disease. Therefore, it has been classified as a Variant of Uncertain Significance.

Literature cited by the submitters: PubMed 17576681; PubMed 9536098.